The following is an entry in ClinVar:

ClinVar aggregate classification (germline): Uncertain significance. Review status: criteria provided, multiple submitters, no conflicts (2 of 4 stars). 2 submissions from 2 submitters: Uncertain significance (2). Last evaluated 2025-05-18.

Conditions:
Long QT syndrome (LQTS). Identifiers: MedGen C0023976, MeSH D008133, MONDO:0002442. Disease mechanism: loss of function. Inheritance: Various modes of inheritance.
Cardiovascular phenotype. Identifiers: MedGen CN230736.

Allele frequency attached by ClinVar (database versions not stated): gnomAD exomes below 0.00001.
gnomAD v4.1: 1 of 1,613,670 alleles (0.000062%); highest among the groups gnomAD compares: Non-Finnish European, 0.000085%; no homozygotes.

Submissions (2):

Labcorp Genetics (formerly Invitae), Labcorp
Classification: Uncertain significance for Long QT syndrome. Last evaluated: 2025-05-18. Review status: criteria provided, single submitter. Criteria: Invitae Variant Classification Sherloc (09022015). Collection method: clinical testing. Allele origin: germline.
Comment: This sequence change replaces proline, which is neutral and non-polar, with arginine, which is basic and polar, at codon 2183 of the AKAP9 protein (p.Pro2183Arg). This variant is not present in population databases (gnomAD no frequency). This variant has not been reported in the literature in individuals affected with AKAP9-related conditions. ClinVar contains an entry for this variant (Variation ID: 1754127). An algorithm developed to predict the effect of missense changes on protein structure and function (PolyPhen-2) suggests that this variant is likely to be tolerated. In summary, the available evidence is currently insufficient to determine the role of this variant in disease. Therefore, it has been classified as a Variant of Uncertain Significance.

Ambry Genetics
Classification: Uncertain significance for Cardiovascular phenotype. Last evaluated: 2019-03-30. Review status: criteria provided, single submitter. Criteria: Ambry Variant Classification Scheme 2023. Collection method: clinical testing. Allele origin: germline.
Comment: The p.P2183R variant (also known as c.6548C>G), located in coding exon 28 of the AKAP9 gene, results from a C to G substitution at nucleotide position 6548. The proline at codon 2183 is replaced by arginine, an amino acid with dissimilar properties. This amino acid position is poorly conserved in available vertebrate species. In addition, this alteration is predicted to be tolerated by in silico analysis. Since supporting evidence is limited at this time, the clinical significance of this alteration remains unclear.

NM_005751.5(AKAP9):c.6548C>G (p.Pro2183Arg)

Gene: AKAP9 (A-kinase anchoring protein 9; plus strand). Cytogenetic location: 7q21.2.
Variant type: single nucleotide variant.
Coding change: c.6548C>G on transcript NM_005751.5 (MANE Select); coding-DNA position 6548, C replaced by G.
Protein change: p.Pro2183Arg; replaces proline 2183 with arginine.
Molecular consequence: missense variant.
Genome position (GRCh38, 1-based): chr7:92,070,945, C>G. VCF-style: chr7-92070945-C-G. GRCh37 (hg19) VCF-style: chr7-91700259-C-G.
Other names: c.1193C>G, p.Pro398Arg (NM_001379277.1); c.6524C>G, p.Pro2175Arg (NM_147185.3); short protein forms P2175R, P2183R, P398R.
Identifiers: ClinVar variation 1754127 (VCV001754127.3), dbSNP rs2535221465, ClinGen allele CA368134455.